The following is an entry in ClinVar:

ClinVar aggregate classification (germline): Uncertain significance (1 of 4 stars; one submission).

Conditions:
Primary ciliary dyskinesia. Also called: Ciliary dyskinesia. Identifiers: Orphanet 244, MedGen C0008780, MONDO:0016575, HP:0012265.

gnomAD v4.1: 33 of 1,613,114 alleles (0.002%); no homozygotes.

Submission:

Labcorp Genetics (formerly Invitae), Labcorp
Classification: Uncertain significance for Primary ciliary dyskinesia. Last evaluated: 2023-07-07. Review status: criteria provided, single submitter. Criteria: Invitae Variant Classification Sherloc (09022015). Collection method: clinical testing. Allele origin: germline.
Comment: ClinVar contains an entry for this variant (Variation ID: 574249). In summary, the available evidence is currently insufficient to determine the role of this variant in disease. Therefore, it has been classified as a Variant of Uncertain Significance. Variants that disrupt the consensus splice site are a relatively common cause of aberrant splicing (PMID: 17576681, 9536098). Algorithms developed to predict the effect of sequence changes on RNA splicing suggest that this variant may create or strengthen a splice site. This variant has not been reported in the literature in individuals affected with RSPH1-related conditions. This variant is present in population databases (rs374688679, gnomAD 0.07%). This sequence change falls in intron 7 of the RSPH1 gene. It does not directly change the encoded amino acid sequence of the RSPH1 protein. It affects a nucleotide within the consensus splice site.

Literature cited by the submitters: PubMed 17576681; PubMed 9536098.

NM_080860.4(RSPH1):c.727+6G>C

Gene: RSPH1 (radial spoke head component 1; minus strand). Cytogenetic location: 21q22.3.
Variant type: single nucleotide variant.
Coding change: c.727+6G>C on transcript NM_080860.4 (MANE Select); 6 bases into the intron after coding-DNA position 727, G replaced by C.
Molecular consequence: intron variant.
Genome position (GRCh38, 1-based): chr21:42,477,285, C>G on the plus strand (G>C on the coding strand, the complement: RSPH1 is on the minus strand). VCF-style: chr21-42477285-C-G. GRCh37 (hg19) VCF-style: chr21-43897395-C-G.
Other names: c.613+6G>C (NM_001286506.2).
Identifiers: ClinVar variation 574249 (VCV000574249.16), dbSNP rs374688679, ClinGen allele CA10043811.